The following is an entry in ClinVar:

NM_030653.4(DDX11):c.1930G>A (p.Val644Met)

Gene: DDX11 (DEAD/H-box helicase 11; plus strand). Cytogenetic location: 12p11.21.
Variant type: single nucleotide variant.
Coding change: c.1930G>A on transcript NM_030653.4 (MANE Select); coding-DNA position 1930, G replaced by A.
Protein change: p.Val644Met; replaces valine 644 with methionine.
Molecular consequence: missense variant. On other transcripts: non-coding transcript variant (4).
Genome position (GRCh38, 1-based): chr12:31,100,689, G>A. VCF-style: chr12-31100689-G-A. GRCh37 (hg19) VCF-style: chr12-31253623-G-A.
Other names: c.1930G>A, p.Val644Met (NM_001257144.2, NM_001413692.1, NM_001413693.1 and 5 more transcripts); c.1852G>A, p.Val618Met (NM_001257145.2, NM_001413697.1, NM_001413698.1 and 1 more transcripts); c.1843G>A, p.Val615Met (NM_001413700.1); c.1402G>A, p.Val468Met (NM_001413702.1, NM_001413703.1); c.1069G>A, p.Val357Met (NM_001413704.1, NM_001413705.1); c.964G>A, p.Val322Met (NM_001413706.1); short protein forms V322M, V357M, V468M, V615M, V618M, V644M.
Identifiers: ClinVar variation 3374819 (VCV003374819.1).
Genomic context (GRCh38, chr12:31,100,689, plus strand): 5'-CTACAGGTGTCTGACTTCCGGCAGCAGCTGCTGGCCTGTGCCGGGGTGGAAGCTGAGCGC[G>A]TGGTGGAGTTTTCCTGTGGTGAGAAGCTGTGCCCAGGGTGGGGCAGGCTAGAGGTCAGGT-3'
Protein context (NP_085911.2, residues 634-654): LACAGVEAER[Val644Met]VEFSCGHVIP

ClinVar aggregate classification (germline): Uncertain significance (1 of 4 stars; one submission).

gnomAD v4.1: 55 of 1,552,386 alleles (0.0035%); highest among the groups gnomAD compares: East Asian, 0.037%; no homozygotes.

Submission:

Women's Health and Genetics/Laboratory Corporation of America, LabCorp
Classification: Uncertain significance. Last evaluated: 2024-09-13. Review status: criteria provided, single submitter. Criteria: LabCorp Variant Classification Summary - May 2015. Collection method: clinical testing. Allele origin: germline.
Comment: Variant summary: DDX11 c.1930G>A (p.Val644Met) results in a conservative amino acid change in the encoded protein sequence. Three of five in-silico tools predict a damaging effect of the variant on protein function. The variant allele was found at a frequency of 2.5e-05 in 157780 control chromosomes. The available data on variant occurrences in the general population are insufficient to allow any conclusion about variant significance. c.1930G>A has been reported in the literature in at least one compound heterozygous individual affected with Warsaw Breakage Syndrome (e.g, van Schie_ 2020). These data do not allow any conclusion about variant significance. At least one publication reports experimental evidence evaluating an impact on protein function and found some evidence that the variant may cause destabilization of the DDX11 protein (van Schie_2020). The following publication have been ascertained in the context of this evaluation (PMID: 32855419). No submitters have cited clinical-significance assessments for this variant to ClinVar. Based on the evidence outlined above, the variant was classified as uncertain significance.

Literature cited by the submitters: PubMed 32855419.